The following is an entry in ClinVar:

ClinVar aggregate classification (germline): Likely benign. Review status: criteria provided, multiple submitters, no conflicts (2 of 4 stars). 2 submissions from 2 submitters: Likely benign (2). Last evaluated 2025-08-04.

Conditions:
NOTCH1-related disorder. Also called: NOTCH1-related condition; NOTCH1-related disorders.
Familial thoracic aortic aneurysm and aortic dissection (TAAD). Also called: Thoracic aortic aneurysms and dissections. Identifiers: Orphanet 91387, MedGen C4707243, MONDO:0019625.

gnomAD v4.1: 5 of 1,613,032 alleles (0.00031%); highest among the groups gnomAD compares: Non-Finnish European, 0.00042%; no homozygotes.

Submissions (2):

PreventionGenetics, part of Exact Sciences
Classification: Likely benign for NOTCH1-related condition. Last evaluated: 2025-08-04. Review status: criteria provided, single submitter. Criteria: ACMG Guidelines, 2015. Collection method: clinical testing. Allele origin: germline.
Comment: This variant is classified as likely benign based on ACMG/AMP sequence variant interpretation guidelines (Richards et al. 2015 PMID: 25741868, with internal and published modifications).

Ambry Genetics
Classification: Likely benign for Familial thoracic aortic aneurysm and aortic dissection. Last evaluated: 2023-09-15. Review status: criteria provided, single submitter. Criteria: Ambry Variant Classification Scheme 2023. Collection method: clinical testing. Allele origin: germline.

NM_017617.5(NOTCH1):c.786A>T (p.Pro262=)

Gene: NOTCH1 (notch receptor 1; minus strand). Cytogenetic location: 9q34.3.
Variant type: single nucleotide variant.
Coding change: c.786A>T on transcript NM_017617.5 (MANE Select); coding-DNA position 786, A replaced by T.
Protein change: p.Pro262=; no amino-acid change (proline 262 retained).
Molecular consequence: synonymous variant.
Genome position (GRCh38, 1-based): chr9:136,519,522, T>A on the plus strand (A>T on the coding strand, the complement: NOTCH1 is on the minus strand). VCF-style: chr9-136519522-T-A. GRCh37 (hg19) VCF-style: chr9-139413974-T-A.
Other names: c.786A>T (NM_017617.4).
Identifiers: ClinVar variation 3226995 (VCV003226995.2), dbSNP rs2540463729, ClinGen allele CA467719591.